The following is an entry in ClinVar:

ClinVar aggregate classification (germline): Uncertain significance. Review status: criteria provided, multiple submitters, no conflicts (2 of 4 stars). 2 submissions from 2 submitters: Uncertain significance (2). Last evaluated 2025-07-13.

Conditions:
Cardiovascular phenotype. Identifiers: MedGen CN230736.

Allele frequency attached by ClinVar (database versions not stated): ExAC 0.00002; gnomAD exomes 0.00002; gnomAD 0.00003; TOPMed 0.00003; ESP Exome Variant Server 0.00008.
gnomAD v4.1: 39 of 1,613,674 alleles (0.0024%); highest among the groups gnomAD compares: Non-Finnish European, 0.0031%; no homozygotes.

Submissions (2):

Labcorp Genetics (formerly Invitae), Labcorp
Classification: Uncertain significance. Last evaluated: 2025-07-13. Review status: criteria provided, single submitter. Criteria: Invitae Variant Classification Sherloc (09022015). Collection method: clinical testing. Allele origin: germline.
Comment: This sequence change replaces leucine, which is neutral and non-polar, with methionine, which is neutral and non-polar, at codon 495 of the ALPK3 protein (p.Leu495Met). This variant is present in population databases (rs377439661, gnomAD 0.005%). This variant has not been reported in the literature in individuals affected with ALPK3-related conditions. ClinVar contains an entry for this variant (Variation ID: 1431032). An algorithm developed to predict the effect of missense changes on protein structure and function (PolyPhen-2) suggests that this variant is likely to be disruptive. In summary, the available evidence is currently insufficient to determine the role of this variant in disease. Therefore, it has been classified as a Variant of Uncertain Significance.

Ambry Genetics
Classification: Uncertain significance for Cardiovascular phenotype. Last evaluated: 2021-08-02. Review status: criteria provided, single submitter. Criteria: Ambry Variant Classification Scheme 2023. Collection method: clinical testing. Allele origin: germline.
Comment: The p.L495M variant (also known as c.1483C>A), located in coding exon 5 of the ALPK3 gene, results from a C to A substitution at nucleotide position 1483. The leucine at codon 495 is replaced by methionine, an amino acid with highly similar properties. This amino acid position is conserved. In addition, this alteration is predicted to be tolerated by in silico analysis. Since supporting evidence is limited at this time, the clinical significance of this alteration remains unclear.

NM_020778.5(ALPK3):c.877C>A (p.Leu293Met)

Gene: ALPK3 (alpha kinase 3; plus strand). Cytogenetic location: 15q25.3.
Variant type: single nucleotide variant.
Coding change: c.877C>A on transcript NM_020778.5 (MANE Select); coding-DNA position 877, C replaced by A.
Protein change: p.Leu293Met; replaces leucine 293 with methionine.
Molecular consequence: missense variant.
Genome position (GRCh38, 1-based): chr15:84,840,156, C>A. VCF-style: chr15-84840156-C-A. GRCh37 (hg19) VCF-style: chr15-85383387-C-A.
Other names: short protein forms L293M.
Identifiers: ClinVar variation 1431032 (VCV001431032.8), dbSNP rs377439661, ClinGen allele CA7709087.
Genomic context (GRCh38, chr15:84,840,156, plus strand): 5'-GAAGTGACCACCAACGGGGAGGCTGCCCCCGAGAATGGAGAGGACGGAGAGCATGGCTTG[C>A]TGACATACATCTGTGACGCCATGGAGCTGGGGCCTCAGAGAGCCCTCAAAGAGGAGAGTG-3'
Protein context (NP_065829.4, residues 283-303): ENGEDGEHGL[Leu293Met]TYICDAMELG